The following is an entry in ClinVar:

NM_016248.4(AKAP11):c.1326dup (p.Asp443fs)

Gene: AKAP11 (A-kinase anchoring protein 11; plus strand). Cytogenetic location: 13q14.11.
Variant type: Duplication.
Coding change: c.1326dup on transcript NM_016248.4 (MANE Select); coding-DNA position 1326, one base duplicated (A; older notation c.1326dupA).
Protein change: p.Asp443fs; shifts the reading frame from aspartic acid 443.
Molecular consequence: frameshift variant.
Genome position (GRCh38, 1-based): chr13:42,300,072, A duplicated; the last of 2 consecutive A bases (chr13:42,300,071-42,300,072); duplicating either gives the same sequence. VCF-style (leftmost placement, unchanged base first): chr13-42300070-G-GA. GRCh37 (hg19) VCF-style: chr13-42874206-G-GA.
Other names: short protein forms D443fs.
Identifiers: ClinVar variation 4983518 (VCV004983518.1).

ClinVar aggregate classification (germline): Uncertain significance (1 of 4 stars; one submission).

Conditions:
AKAP11-related disorder. Also called: AKAP11-related condition.

Submission:

PreventionGenetics, part of Exact Sciences
Classification: Uncertain significance for AKAP11-related condition. Last evaluated: 2026-08-14. Review status: criteria provided, single submitter. Criteria: ACMG Guidelines, 2015. Collection method: clinical testing. Allele origin: germline.
Comment: The AKAP11 c.1326dupA variant is predicted to result in a frameshift and premature protein termination (p.Asp443Argfs*2). To our knowledge, this variant has not been reported in the literature or in a large population database (gnomAD), indicating this variant is rare. Loss of function is not an established mechanism of AKAP11-related disease; however, population data in gnomAD indicates the AKAP11 gene may be loss-of-function intolerant (pLI=1). At this time, the clinical significance of this variant is uncertain due to the absence of conclusive functional and genetic evidence.